The following is an entry in ClinVar:

NM_025114.4(CEP290):c.3736G>T (p.Glu1246Ter)

Gene: CEP290 (centrosomal protein 290; minus strand). Cytogenetic location: 12q21.32.
Variant type: single nucleotide variant.
Coding change: c.3736G>T on transcript NM_025114.4 (MANE Select); coding-DNA position 3736, G replaced by T.
Protein change: p.Glu1246Ter; replaces glutamic acid 1246 with a stop codon.
Molecular consequence: nonsense.
Genome position (GRCh38, 1-based): chr12:88,089,325, C>A on the plus strand (G>T on the coding strand, the complement: CEP290 is on the minus strand). VCF-style: chr12-88089325-C-A. GRCh37 (hg19) VCF-style: chr12-88483102-C-A.
Other names: short protein forms E1246*.
Identifiers: ClinVar variation 2680613 (VCV002680613.4), dbSNP rs2500112760, ClinGen allele CA386000812.

ClinVar aggregate classification (germline): Pathogenic/Likely pathogenic. Review status: criteria provided, multiple submitters, no conflicts (2 of 4 stars). 3 submissions from 3 submitters: Pathogenic (1); Likely pathogenic (2). Last evaluated 2026-09-03.

Conditions:
CEP290-related ciliopathy. Also called: CEP290 ciliopathy. Identifiers: MedGen CN305601, MONDO:0100451.
Bardet-Biedl syndrome 14 (BBS14). Identifiers: Orphanet 110, MedGen C2673874, MONDO:0014442, OMIM 615991.
Meckel syndrome, type 4 (MKS4). Also called: MECKEL-GRUBER SYNDROME, TYPE 4. Identifiers: Orphanet 564, MedGen C1970161, MONDO:0012626, OMIM 611134.
Senior-Loken syndrome 6 (SLSN6). Identifiers: Orphanet 3156, MedGen C1857779, MONDO:0012433, OMIM 610189.
Leber congenital amaurosis 10 (LCA10). Identifiers: Orphanet 65, MedGen C1857821, MONDO:0012723, OMIM 611755.
Joubert syndrome 5 (JBTS5). Identifiers: Orphanet 2318, MedGen C1857780, MONDO:0012432, OMIM 610188.

Submissions (3):

Myriad Genetics, Inc.
Classification: Pathogenic for CEP290-related ciliopathy. Last evaluated: 2026-09-03. Review status: criteria provided, single submitter. Criteria: Myriad Autosomal Dominant, Autosomal Recessive and X-Linked Classification Criteria (2023). Collection method: clinical testing. Allele origin: unknown.
Comment: NM_025114.3(CEP290):c.3736G>T(E1246*) is expected to be pathogenic in the context of CEP290-related disorders. This variant is predicted to lead to an abnormal or absent protein product due to the creation of a premature termination codon in CEP290, a gene where loss-of-function variants are known to be pathogenic. Please note: this variant was assessed in the context of healthy population screening.

Fulgent Genetics
Classification: Likely pathogenic for Joubert syndrome 5; Senior-Loken syndrome 6; Meckel syndrome, type 4; Leber congenital amaurosis 10; Bardet-Biedl syndrome 14. Last evaluated: 2024-01-16. Review status: criteria provided, single submitter. Criteria: ACMG Guidelines, 2015. Collection method: clinical testing. Allele origin: germline.

Baylor Genetics
Classification: Likely pathogenic for Bardet-Biedl syndrome 14. Last evaluated: 2023-12-26. Review status: criteria provided, single submitter. Criteria: ACMG Guidelines, 2015. Collection method: clinical testing. Allele origin: unknown.